The following is an entry in ClinVar:

ClinVar aggregate classification (germline): Likely benign (1 of 4 stars; one submission).

gnomAD v4.1: 1,059 of 1,614,146 alleles (0.066%); highest among the groups gnomAD compares: South Asian, 0.18%; 3 homozygotes.

Submission:

CeGaT Center for Human Genetics Tuebingen
Classification: Likely benign. Last evaluated: 2025-11-01. Review status: criteria provided, single submitter. Criteria: CeGaT Center For Human Genetics Tuebingen Variant Classification Criteria Version 2. Collection method: clinical testing. Allele origin: germline. Affected: yes. Observed: 1 variant allele.
Comment: PDZD8: BP4, BP7

NM_173791.5(PDZD8):c.2325T>C (p.Ser775=)

Gene: PDZD8 (PDZ domain containing 8; minus strand). Cytogenetic location: 10q25.3.
Variant type: single nucleotide variant.
Coding change: c.2325T>C on transcript NM_173791.5 (MANE Select); coding-DNA position 2325, T replaced by C.
Protein change: p.Ser775=; no amino-acid change (serine 775 retained).
Molecular consequence: synonymous variant.
Genome position (GRCh38, 1-based): chr10:117,284,408, A>G on the plus strand (T>C on the coding strand, the complement: PDZD8 is on the minus strand). VCF-style: chr10-117284408-A-G. GRCh37 (hg19) VCF-style: chr10-119043919-A-G.
Identifiers: ClinVar variation 4533531 (VCV004533531.6).
Genomic context (GRCh38, chr10:117,284,408, plus strand): 5'-ATATTTGAAGTGAATAGTAATGTCACCATAGCAAAATTTGTCATTGAATCCCTTTTGCAT[A>G]CTCAGATTGCGTAGTGCGGTTCTAGTGACTATAGCCTTAGGTGAGGGGGCTTCCAGTCTC-3'
Protein context (NP_776152.1, residues 765-785): IVTRTALRNL[Ser775=]MQKGFNDKFC